The following is an entry in ClinVar:

NM_004006.3(DMD):c.2048A>G (p.Glu683Gly)

Gene: DMD (dystrophin; minus strand). Cytogenetic location: Xp21.1.
Variant type: single nucleotide variant.
Coding change: c.2048A>G on transcript NM_004006.3 (MANE Select); coding-DNA position 2048, A replaced by G.
Protein change: p.Glu683Gly; replaces glutamic acid 683 with glycine.
Molecular consequence: missense variant.
Genome position (GRCh38, 1-based): chrX:32,545,279, T>C on the plus strand (A>G on the coding strand, the complement: DMD is on the minus strand). VCF-style: chrX-32545279-T-C. GRCh37 (hg19) VCF-style: chrX-32563396-T-C.
Other names: c.2024A>G, p.Glu675Gly (NM_000109.4); c.2036A>G, p.Glu679Gly (NM_004009.3); c.1679A>G, p.Glu560Gly (NM_004010.3); short protein forms E560G, E675G, E679G, E683G.
Identifiers: ClinVar variation 1304413 (VCV001304413.3), dbSNP rs2048862731, ClinGen allele CA412668455.

ClinVar aggregate classification (germline): Uncertain significance. Review status: criteria provided, multiple submitters, no conflicts (2 of 4 stars). 2 submissions from 2 submitters: Uncertain significance (2). Last evaluated 2026-03-23.

Conditions:
Cardiovascular phenotype. Identifiers: MedGen CN230736.

Allele frequency attached by ClinVar (database versions not stated): gnomAD exomes below 0.00001; TOPMed 0.00001.
gnomAD v4.1: 2 of 1,210,595 alleles (0.00017%); highest among the groups gnomAD compares: Non-Finnish European, 0.00022%; no homozygotes.

Submissions (2):

Ambry Genetics
Classification: Uncertain significance for Cardiovascular phenotype. Last evaluated: 2026-03-23. Review status: criteria provided, single submitter. Criteria: Ambry Variant Classification Scheme 2023. Collection method: clinical testing. Allele origin: germline.
Comment: The p.E683G variant (also known as c.2048A>G), located in coding exon 17 of the DMD gene, results from an A to G substitution at nucleotide position 2048. The glutamic acid at codon 683 is replaced by glycine, an amino acid with similar properties. This amino acid position is conserved. In addition, the in silico prediction for this alteration is inconclusive. Based on the available evidence, the clinical significance of this variant remains unclear.

GeneDx
Classification: Uncertain significance. Last evaluated: 2020-10-27. Review status: criteria provided, single submitter. Criteria: GeneDx Variant Classification Process June 2021. Collection method: clinical testing. Allele origin: germline. Affected: yes.
Comment: Not observed in large population cohorts (Lek et al., 2016); In silico analysis supports that this missense variant has a deleterious effect on protein structure/function; Has not been previously published as pathogenic or benign to our knowledge